The following is an entry in ClinVar:

ClinVar aggregate classification (germline): Pathogenic/Likely pathogenic. Review status: criteria provided, multiple submitters, no conflicts (2 of 4 stars). 5 submissions from 5 submitters: Pathogenic (1); Likely pathogenic (4). Last evaluated 2026-10-02.

Conditions:
Abnormality of coagulation. Identifiers: MedGen C1846821, HP:0001928.
Hereditary factor VIII deficiency disease (HEMA). Also called: HEMOPHILIA, CLASSIC; AUTOSOMAL HEMOPHILIA A; Hemophilia A; Hemophilia A, congenital; HEM A; Factor 8 deficiency, congenital. Identifiers: Orphanet 98878, MedGen C0019069, MONDO:0010602, OMIM 306700.

Allele frequency attached by ClinVar (database versions not stated): gnomAD exomes below 0.00001; gnomAD 0.00001; TOPMed 0.00006.
gnomAD v4.1: 4 of 1,209,903 alleles (0.00033%); highest among the groups gnomAD compares: Non-Finnish European, 0.00045%; no homozygotes.

Submissions (5):

Clinical Genetics Laboratory, Skane University Hospital Lund
Classification: Likely pathogenic for Hereditary factor VIII deficiency disease. Last evaluated: 2026-10-02. Review status: criteria provided, single submitter. Criteria: ACMG Guidelines, 2015. Collection method: clinical testing. Allele origin: germline. Inheritance: X-linked inheritance. Affected: yes.
Comment: F8 (NM_000132.4) c.6932C>A, p.(Pro2311His) is a nucleotide substitution in exon 26 of 26 that results in the amino acid substitution indicated above, which is predicted to be deleterious to protein function. F8 c.6932C>A has previously been reported in the ClinVar database, predominantly as likely pathogenic (Accession: VCV000627123.11). The variant has been identified in multiple patients with mild haemophilia A and has been reported in the EAHAD database and in the literature (PMID: 23711237, 21883705, 25824987). The variant has been classified as likely pathogenic according to gene-specific criteria (ClinGen Coagulation Factor Deficiency Expert Panel Specifications to the ACMG/AMP Variant Interpretation Guidelines for F8, Version 2.0.0): PS4_VeryStrong, PP3.

CeGaT Center for Human Genetics Tuebingen
Classification: Likely pathogenic. Last evaluated: 2026-06-01. Review status: criteria provided, single submitter. Criteria: CeGaT Center For Human Genetics Tuebingen Variant Classification Criteria Version 2. Collection method: clinical testing. Allele origin: germline. Affected: yes. Observed: 1 variant allele.
Comment: F8: PS4, PM2, PS3:Supporting

Women's Health and Genetics/Laboratory Corporation of America, LabCorp
Classification: Pathogenic for Hereditary factor VIII deficiency disease. Last evaluated: 2024-09-30. Review status: criteria provided, single submitter. Criteria: LabCorp Variant Classification Summary - May 2015. Collection method: clinical testing. Allele origin: germline.
Comment: Variant summary: F8 c.6932C>A (p.Pro2311His) results in a non-conservative amino acid change located in the Coagulation factor 5/8, C-terminal domain (IPR000421) of the encoded protein sequence. Four of five in-silico tools predict a damaging effect of the variant on protein function. The variant was absent in 183208 control chromosomes (gnomAD). c.6932C>A has been reported in the literature in multiple individuals affected with mild Factor VIII Deficiency (Hemophilia A), i.e. with a factor VIII residual activity between 20 and 30% (e.g. Rosset_2013, Lannoy_2015, Gebhart_2018). These data indicate that the variant is very likely to be associated with disease. To our knowledge, no experimental evidence demonstrating an impact on protein function has been reported. The following publications have been ascertained in the context of this evaluation (PMID: 25824987, 23711237, 29388750). ClinVar contains an entry for this variant (Variation ID: 627123). Based on the evidence outlined above, the variant was classified as pathogenic.

ARUP Laboratories, Molecular Genetics and Genomics, ARUP Laboratories
Classification: Likely pathogenic for Hereditary factor VIII deficiency disease. Last evaluated: 2020-12-11. Review status: criteria provided, single submitter. Criteria: ARUP Molecular Germline Variant Investigation Process 2021. Collection method: clinical testing. Allele origin: germline.
Comment: The F8 c.6932C>A; p.Pro2311His variant (rs1047644991) is reported in the literature in multiple individuals affected with mild hemophilia A (see link to F8 database and references therein, Downes 2019, Gebhart 2018). In vitro functional analyses demonstrate that individuals with this variant have factor VIII activity between 7-37% (F8 database, Gebhart 2018). This variant is reported in ClinVar (Variation ID: 627123). This variant is absent from general population databases (Exome Variant Server, Genome Aggregation Database), indicating it is not a common polymorphism. The proline at codon 2311 is highly conserved, but computational analyses are uncertain whether this variant is neutral or deleterious (REVEL: 0.639). Additionally, another variants at this codon (c.6931C>T; p.Pro2311Ser) has been reported in individuals with mild hemophilia A (F8 database). Based on available information, the p.Pro2311His variant is considered to be likely pathogenic. References: F8 Variant Database: Downes K et al. Diagnostic high-throughput sequencing of 2396 patients with bleeding, thrombotic, and platelet disorders. Blood. 2019 Dec 5;134(23):2082-2091 Gebhart J et al. High proportion of patients with bleeding of unknown cause in persons with a mild-to-moderate bleeding tendency: Results from the Vienna Bleeding Biobank (VIBB). Haemophilia. 2018 May;24(3):405-413.

NIHR Bioresource Rare Diseases, University of Cambridge
Classification: Likely pathogenic for Abnormality of coagulation. Last evaluated: 2019-02-01. Review status: criteria provided, single submitter. Criteria: ACMG Guidelines, 2015. Collection method: research. Allele origin: unknown. Affected: yes. Observed: 1 hemizygote. Study: ThromboGenomics.

Literature cited by the submitters: PubMed 23711237 (cited by Clinical Genetics Laboratory, Skane University Hospital Lund and Women's Health and Genetics/Laboratory Corporation of America, LabCorp); PubMed 21883705 (cited by Clinical Genetics Laboratory, Skane University Hospital Lund); PubMed 25824987 (cited by Clinical Genetics Laboratory, Skane University Hospital Lund and Women's Health and Genetics/Laboratory Corporation of America, LabCorp); PubMed 29388750 (cited by Women's Health and Genetics/Laboratory Corporation of America, LabCorp); PubMed 31064749 (cited by NIHR Bioresource Rare Diseases, University of Cambridge).

NM_000132.4(F8):c.6932C>A (p.Pro2311His)

Gene: F8 (coagulation factor VIII; minus strand). Cytogenetic location: Xq28.
Variant type: single nucleotide variant.
Coding change: c.6932C>A on transcript NM_000132.4 (MANE Select); coding-DNA position 6932, C replaced by A.
Protein change: p.Pro2311His; replaces proline 2311 with histidine.
Molecular consequence: missense variant.
Genome position (GRCh38, 1-based): chrX:154,837,721, G>T on the plus strand (C>A on the coding strand, the complement: F8 is on the minus strand). VCF-style: chrX-154837721-G-T. GRCh37 (hg19) VCF-style: chrX-154065996-G-T.
Other names: c.527C>A, p.Pro176His (NM_019863.3); short protein forms P2311H, P176H.
Identifiers: ClinVar variation 627123 (VCV000627123.13), dbSNP rs1047644991, ClinGen allele CA337319439.